The following is an entry in ClinVar:

NM_052867.4(NALCN):c.5021C>T (p.Ser1674Leu)

Genes: NALCN (sodium leak channel, non-selective; minus strand), NALCN-AS1 (NALCN antisense RNA 1; plus strand). Cytogenetic location: 13q32.3.
Variant type: single nucleotide variant.
Coding change: c.5021C>T on transcript NM_052867.4 (MANE Select); coding-DNA position 5021, C replaced by T.
Protein change: p.Ser1674Leu; replaces serine 1674 with leucine.
Molecular consequence: missense variant. On other transcripts: non-coding transcript variant (1).
Genome position (GRCh38, 1-based): chr13:101,057,941, G>A on the plus strand (C>T on the coding strand, the complement: NALCN is on the minus strand). VCF-style: chr13-101057941-G-A. GRCh37 (hg19) VCF-style: chr13-101710293-G-A.
Other names: c.5108C>T, p.Ser1703Leu (NM_001350748.2); c.5021C>T, p.Ser1674Leu (NM_001350749.2); c.4934C>T, p.Ser1645Leu (NM_001350750.2, NM_001350751.2); short protein forms S1645L, S1674L, S1703L.
Identifiers: ClinVar variation 3615660 (VCV003615660.2).

ClinVar aggregate classification (germline): Uncertain significance (1 of 4 stars; one submission).

gnomAD v4.1: 2 of 1,609,142 alleles (0.00012%); highest among the groups gnomAD compares: Non-Finnish European, 0.00017%; no homozygotes.

Submission:

Labcorp Genetics (formerly Invitae), Labcorp
Classification: Uncertain significance. Last evaluated: 2024-08-05. Review status: criteria provided, single submitter. Criteria: Invitae Variant Classification Sherloc (09022015). Collection method: clinical testing. Allele origin: germline.
Comment: This sequence change replaces serine, which is neutral and polar, with leucine, which is neutral and non-polar, at codon 1674 of the NALCN protein (p.Ser1674Leu). This variant is not present in population databases (gnomAD no frequency). This variant has not been reported in the literature in individuals affected with NALCN-related conditions. An algorithm developed to predict the effect of missense changes on protein structure and function (PolyPhen-2) suggests that this variant is likely to be tolerated. In summary, the available evidence is currently insufficient to determine the role of this variant in disease. Therefore, it has been classified as a Variant of Uncertain Significance.